The following is an entry in ClinVar:

ClinVar aggregate classification (germline): Uncertain significance (1 of 4 stars; one submission).

Submission:

Mayo Clinic Laboratories, Mayo Clinic
Classification: Uncertain significance. Last evaluated: 2023-04-05. Review status: criteria provided, single submitter. Criteria: ACMG Guidelines, 2015. Collection method: clinical testing. Allele origin: germline. Observed: 1 variant allele.
Comment: PM2_supporting

NM_002601.4(PDE6D):c.238G>A (p.Val80Ile)

Gene: PDE6D (phosphodiesterase 6D; minus strand). Cytogenetic location: 2q37.1.
Variant type: single nucleotide variant.
Coding change: c.238G>A on transcript NM_002601.4 (MANE Select); coding-DNA position 238, G replaced by A.
Protein change: p.Val80Ile; replaces valine 80 with isoleucine.
Molecular consequence: missense variant.
Genome position (GRCh38, 1-based): chr2:231,738,040, C>T on the plus strand (G>A on the coding strand, the complement: PDE6D is on the minus strand). VCF-style: chr2-231738040-C-T. GRCh37 (hg19) VCF-style: chr2-232602750-C-T.
Other names: p.Val80Ile; c.238G>A, p.Val80Ile (NM_001291018.2); short protein forms V80I.
Identifiers: ClinVar variation 2682818 (VCV002682818.1), dbSNP rs2469688165, ClinGen allele CA350974541.